The following is an entry in ClinVar:

NM_000038.6(APC):c.8282C>T (p.Pro2761Leu)

Gene: APC (APC regulator of Wnt signaling pathway; plus strand). Cytogenetic location: 5q22.2.
Variant type: single nucleotide variant.
Coding change: c.8282C>T on transcript NM_000038.6 (MANE Select); coding-DNA position 8282, C replaced by T.
Protein change: p.Pro2761Leu; replaces proline 2761 with leucine.
Molecular consequence: missense variant.
Genome position (GRCh38, 1-based): chr5:112,843,876, C>T. VCF-style: chr5-112843876-C-T. GRCh37 (hg19) VCF-style: chr5-112179573-C-T.
Other names: c.8282C>T, p.Pro2761Leu (NM_001127510.3, NM_001354895.2); c.8228C>T, p.Pro2743Leu (NM_001127511.3); c.8336C>T, p.Pro2779Leu (NM_001354896.2); c.8312C>T, p.Pro2771Leu (NM_001354897.2); c.8207C>T, p.Pro2736Leu (NM_001354898.2); c.8198C>T, p.Pro2733Leu (NM_001354899.2); c.8159C>T, p.Pro2720Leu (NM_001354900.2); c.8105C>T, p.Pro2702Leu (NM_001354901.2); and 5 more; short protein forms P2743L, P2761L, P2635L, P2660L, P2702L, P2720L, P2733L, P2601L.
Identifiers: ClinVar variation 470135 (VCV000470135.29), dbSNP rs757874563, ClinGen allele CA050399.

ClinVar aggregate classification (germline): Uncertain significance. Review status: criteria provided, multiple submitters, no conflicts (2 of 4 stars). 6 submissions from 6 submitters: Uncertain significance (6). Last evaluated 2025-09-30.

Conditions:
Gastric cancer. Also called: Stomach cancer; Malignant tumor of stomach. Identifiers: MedGen C0024623, MeSH D013274, MONDO:0001056, OMIM 613659, HP:0012126.
Colorectal cancer. Also called: Colorectal cancer, somatic; Malignant Colorectal Neoplasm. Identifiers: MedGen C0346629, MONDO:0005575, OMIM 114500.
Familial adenomatous polyposis 1 (FAP1). Also called: FAMILIAL ADENOMATOUS POLYPOSIS 1, ATTENUATED; POLYPOSIS, ADENOMATOUS INTESTINAL. Identifiers: MedGen C2713442, MONDO:0021056, OMIM 175100. Disease mechanism: loss of function.
Hepatocellular carcinoma (HCC). Also called: Primary carcinoma of liver; HEPATOMA; LIVER CELL CARCINOMA. Identifiers: Orphanet 88673, MedGen C2239176, MONDO:0007256, OMIM 114550, HP:0001402.
Desmoid disease, hereditary (DESMD). Also called: FIBROMATOSIS, FAMILIAL INFILTRATIVE. Identifiers: Orphanet 873, MedGen C1851124, OMIM 135290. Disease mechanism: loss of function.
Gastric adenocarcinoma and proximal polyposis of the stomach (GAPPS). Also called: Polyposis, gastric, Dos Santos and de Magalhaes 1980; POLYPOSIS, GASTRIC; Gastric Adenocarcinoma and Proximal Polyposis of the Stomach (GAPPS). Identifiers: Orphanet 314022, MedGen C4749917, MONDO:0017790, OMIM 619182.
Hereditary cancer-predisposing syndrome. Also called: Tumor predisposition; Hereditary neoplastic syndrome; Neoplastic Syndromes, Hereditary; Hereditary Cancer Syndrome. Identifiers: Orphanet 140162, MedGen C0027672, MeSH D009386, MONDO:0015356.
Classic or attenuated familial adenomatous polyposis. Identifiers: MedGen CN372698, MONDO:0021057.

Allele frequency attached by ClinVar (database versions not stated): ExAC 0.00001; gnomAD 0.00001; gnomAD exomes 0.00001; TOPMed 0.00001.
gnomAD v4.1: 4 of 1,613,908 alleles (0.00025%); highest among the groups gnomAD compares: Admixed American, 0.005%; no homozygotes.

Submissions (6):

Labcorp Genetics (formerly Invitae), Labcorp
Classification: Uncertain significance for Familial adenomatous polyposis 1. Last evaluated: 2025-09-30. Review status: criteria provided, single submitter. Criteria: Invitae Variant Classification Sherloc (09022015). Collection method: clinical testing. Allele origin: germline.
Comment: This sequence change replaces proline, which is neutral and non-polar, with leucine, which is neutral and non-polar, at codon 2761 of the APC protein (p.Pro2761Leu). This variant is present in population databases (rs757874563, gnomAD 0.006%). This variant has not been reported in the literature in individuals affected with APC-related conditions. ClinVar contains an entry for this variant (Variation ID: 470135). Invitae Evidence Modeling of protein sequence and biophysical properties (such as structural, functional, and spatial information, amino acid conservation, physicochemical variation, residue mobility, and thermodynamic stability) indicates that this missense variant is not expected to disrupt APC protein function with a negative predictive value of 95%. In summary, the available evidence is currently insufficient to determine the role of this variant in disease. Therefore, it has been classified as a Variant of Uncertain Significance.

GeneDx
Classification: Uncertain significance. Last evaluated: 2025-08-07. Review status: criteria provided, single submitter. Criteria: GeneDx Variant Classification Process June 2021. Collection method: clinical testing. Allele origin: germline. Affected: yes.
Comment: Has not been previously published as pathogenic or benign to our knowledge; In silico analysis suggests that this missense variant does not alter protein structure/function; Not observed at significant frequency in large population cohorts (gnomAD); This variant is associated with the following publications: (PMID: 18199528)

Ambry Genetics
Classification: Uncertain significance for Hereditary cancer-predisposing syndrome. Last evaluated: 2024-05-16. Review status: criteria provided, single submitter. Criteria: Ambry Variant Classification Scheme 2023. Collection method: clinical testing. Allele origin: germline.
Comment: The p.P2761L variant (also known as c.8282C>T), located in coding exon 15 of the APC gene, results from a C to T substitution at nucleotide position 8282. The proline at codon 2761 is replaced by leucine, an amino acid with similar properties. This amino acid position is highly conserved in available vertebrate species. In addition, in silico predictors for this gene do not accurately predict pathogenicity. Since supporting evidence is limited at this time, the clinical significance of this alteration remains unclear.

Fulgent Genetics
Classification: Uncertain significance for Colorectal cancer; Hepatocellular carcinoma; Desmoid disease, hereditary; Familial adenomatous polyposis 1; Gastric cancer; Gastric adenocarcinoma and proximal polyposis of the stomach. Last evaluated: 2024-01-22. Review status: criteria provided, single submitter. Criteria: ACMG Guidelines, 2015. Collection method: clinical testing. Allele origin: germline.

All of Us Research Program, National Institutes of Health
Classification: Uncertain significance for Classic or attenuated familial adenomatous polyposis. Last evaluated: 2023-10-06. Review status: criteria provided, single submitter. Criteria: ACMG Guidelines, 2015. Collection method: clinical testing. Allele origin: germline. Inheritance: Autosomal dominant inheritance. Observed: 2 variant alleles, 2 heterozygotes.
Comment: This missense variant replaces proline with leucine at codon 2761 of the APC protein. Computational prediction suggests that this variant may not impact protein structure and function (internally defined REVEL score threshold <= 0.5, PMID: 27666373). Splice site prediction tools suggest that this variant may not impact RNA splicing. To our knowledge, functional studies have not been reported for this variant. This variant has not been reported in individuals affected with hereditary cancer in the literature. This variant has been identified in 2/251048 chromosomes in the general population by the Genome Aggregation Database (gnomAD). The available evidence is insufficient to determine the role of this variant in disease conclusively. Therefore, this variant is classified as a Variant of Uncertain Significance.

This study involves interpretation of variants in research participants for the purpose of population health screening. Participant phenotype was not available at the time of variant classification. Additional details can be found in publication PMID: 35346344, PMCID: PMC8962531

Color Diagnostics, LLC DBA Color Health
Classification: Uncertain significance for Hereditary cancer-predisposing syndrome. Last evaluated: 2023-08-17. Review status: criteria provided, single submitter. Criteria: ACMG Guidelines, 2015. Collection method: clinical testing. Allele origin: germline.
Comment: This missense variant replaces proline with leucine at codon 2761 of the APC protein. Computational prediction suggests that this variant may not impact protein structure and function (internally defined REVEL score threshold <= 0.5, PMID: 27666373). To our knowledge, functional studies have not been reported for this variant. This variant has not been reported in individuals affected with APC-related disorders in the literature. This variant has been identified in 2/251048 chromosomes in the general population by the Genome Aggregation Database (gnomAD). The available evidence is insufficient to determine the role of this variant in disease conclusively. Therefore, this variant is classified as a Variant of Uncertain Significance.